The following is an entry in ClinVar:

NM_001292034.3(TAB2):c.251C>A (p.Ser84Ter)

Gene: TAB2 (TGF-beta activated kinase 1 (MAP3K7) binding protein 2; plus strand). Cytogenetic location: 6q25.1.
Variant type: single nucleotide variant.
Coding change: c.251C>A on transcript NM_001292034.3 (MANE Select); coding-DNA position 251, C replaced by A.
Protein change: p.Ser84Ter; replaces serine 84 with a stop codon.
Molecular consequence: nonsense.
Genome position (GRCh38, 1-based): chr6:149,378,166, C>A. VCF-style: chr6-149378166-C-A. GRCh37 (hg19) VCF-style: chr6-149699302-C-A.
Other names: c.155C>A, p.Ser52Ter (NM_001292035.3); c.251C>A, p.Ser84Ter (NM_001369506.1, NM_015093.6); short protein forms S84*, S52*.
Identifiers: ClinVar variation 373469 (VCV000373469.3), dbSNP rs1057518437, ClinGen allele CA16042629.
Genomic context (GRCh38, chr6:149,378,166, plus strand): 5'-ATGATTCTGGAATTTCTGGTCTACGCAATCACATGACTTCTCTCAACTTGGACTTGCAAT[C>A]ACAGAACATTTACCACCATGGAAGAGAAGGAAGTAGGATGAATGGAAGTAGGACTCTAAC-3'

ClinVar aggregate classification (germline): Pathogenic (1 of 4 stars; one submission).

Submission:

GeneDx
Classification: Pathogenic. Last evaluated: 2023-12-29. Review status: criteria provided, single submitter. Criteria: GeneDx Variant Classification Process June 2021. Collection method: clinical testing. Allele origin: germline. Affected: yes.
Comment: Nonsense variant predicted to result in protein truncation or nonsense mediated decay in a gene for which loss of function is a known mechanism of disease; Not observed at significant frequency in large population cohorts (gnomAD); Has not been previously published as pathogenic or benign to our knowledge